The following is an entry in ClinVar:

NM_001458.5(FLNC):c.5373C>T (p.Phe1791=)

Genes: FLNC (filamin C; plus strand), FLNC-AS1 (FLNC antisense RNA 1; minus strand). Cytogenetic location: 7q32.1.
Variant type: single nucleotide variant.
Coding change: c.5373C>T on transcript NM_001458.5 (MANE Select); coding-DNA position 5373, C replaced by T.
Protein change: p.Phe1791=; no amino-acid change (phenylalanine 1791 retained).
Molecular consequence: synonymous variant.
Genome position (GRCh38, 1-based): chr7:128,850,458, C>T. VCF-style: chr7-128850458-C-T. GRCh37 (hg19) VCF-style: chr7-128490512-C-T.
Other names: c.5274C>T, p.Phe1758= (NM_001127487.2).
Identifiers: ClinVar variation 472102 (VCV000472102.18), dbSNP rs370373860, ClinGen allele CA4475665.

ClinVar aggregate classification (germline): Likely benign. Review status: criteria provided, multiple submitters, no conflicts (2 of 4 stars). 5 submissions from 5 submitters: Likely benign (5). Last evaluated 2026-09-23.

Conditions:
Myofibrillar myopathy 5. Also called: FILAMINOPATHY, AUTOSOMAL DOMINANT; Filaminopathy (type). Identifiers: Orphanet 171445, MedGen C1836050, MONDO:0012289, OMIM 609524.
Hypertrophic cardiomyopathy 26. Also called: Cardiomyopathy, familial hypertrophic, 26. Identifiers: Orphanet 75249, MedGen C4310749, MONDO:0014883, OMIM 617047.
Distal myopathy with posterior leg and anterior hand involvement. Also called: WILLIAMS DISTAL MYOPATHY. Identifiers: Orphanet 63273, MedGen C3279722, MONDO:0013550, OMIM 614065.
FLNC-related disorder. Also called: FLNC-related disorders; FLNC-related condition.
Cardiovascular phenotype. Identifiers: MedGen CN230736.

Allele frequency attached by ClinVar (database versions not stated): gnomAD exomes 0.00001 and 0.00002; ExAC 0.00002; TOPMed 0.00007; ESP Exome Variant Server 0.00008; gnomAD 0.00009.

Submissions (5):

PreventionGenetics, part of Exact Sciences
Classification: Likely benign for FLNC-related condition. Last evaluated: 2026-09-23. Review status: criteria provided, single submitter. Criteria: ACMG Guidelines, 2015. Collection method: clinical testing. Allele origin: germline.
Comment: This variant is classified as likely benign based on ACMG/AMP sequence variant interpretation guidelines (Richards et al. 2015 PMID: 25741868, with internal and published modifications).

Labcorp Genetics (formerly Invitae), Labcorp
Classification: Likely benign for Distal myopathy with posterior leg and anterior hand involvement; Myofibrillar myopathy 5; Hypertrophic cardiomyopathy 26. Last evaluated: 2026-01-21. Review status: criteria provided, single submitter. Criteria: Invitae Variant Classification Sherloc (09022015). Collection method: clinical testing. Allele origin: germline.

Women's Health and Genetics/Laboratory Corporation of America, LabCorp
Classification: Likely benign. Last evaluated: 2025-02-03. Review status: criteria provided, single submitter. Criteria: LabCorp Variant Classification Summary - May 2015. Collection method: clinical testing. Allele origin: germline.

Ambry Genetics
Classification: Likely benign for Cardiovascular phenotype. Last evaluated: 2021-06-01. Review status: criteria provided, single submitter. Criteria: Ambry Variant Classification Scheme 2023. Collection method: clinical testing. Allele origin: germline.

GeneDx
Classification: Likely benign. Last evaluated: 2021-02-24. Review status: criteria provided, single submitter. Criteria: GeneDx Variant Classification Process June 2021. Collection method: clinical testing. Allele origin: germline. Affected: yes.